The following is an entry in ClinVar:

NM_002485.5(NBN):c.2009G>A (p.Arg670Lys)

Gene: NBN (nibrin; minus strand). Cytogenetic location: 8q21.3.
Variant type: single nucleotide variant.
Coding change: c.2009G>A on transcript NM_002485.5 (MANE Select); coding-DNA position 2009, G replaced by A.
Protein change: p.Arg670Lys; replaces arginine 670 with lysine.
Molecular consequence: missense variant.
Genome position (GRCh38, 1-based): chr8:89,946,201, C>T on the plus strand (G>A on the coding strand, the complement: NBN is on the minus strand). VCF-style: chr8-89946201-C-T. GRCh37 (hg19) VCF-style: chr8-90958429-C-T.
Other names: c.1763G>A, p.Arg588Lys (NM_001024688.3); short protein forms R670K, R588K.
Identifiers: ClinVar variation 652331 (VCV000652331.10), dbSNP rs1554556522, ClinGen allele CA371676453.

ClinVar aggregate classification (germline): Uncertain significance. Review status: criteria provided, multiple submitters, no conflicts (2 of 4 stars). 3 submissions from 3 submitters: Uncertain significance (3). Last evaluated 2026-01-27.

Conditions:
Aplastic anemia. Identifiers: Orphanet 182040, Orphanet 88, MedGen C0002874, MONDO:0015909, OMIM 609135, HP:0001915.
Microcephaly, normal intelligence and immunodeficiency (NBS). Also called: BERLIN BREAKAGE SYNDROME; Nijmegen breakage syndrome; Microcephaly with normal intelligence immunodeficiency and lymphoreticular malignancies; Nonsyndromal microcephaly autosomal recessive with normal intelligence; Seemanova syndrome 2; SEEMANOVA SYNDROME II. Identifiers: Orphanet 647, MedGen C0398791, MONDO:0009623, OMIM 251260.

Submissions (3):

Labcorp Genetics (formerly Invitae), Labcorp
Classification: Uncertain significance for Microcephaly, normal intelligence and immunodeficiency. Last evaluated: 2026-01-27. Review status: criteria provided, single submitter. Criteria: Invitae Variant Classification Sherloc (09022015). Collection method: clinical testing. Allele origin: germline.
Comment: This sequence change replaces arginine, which is basic and polar, with lysine, which is basic and polar, at codon 670 of the NBN protein (p.Arg670Lys). This variant is not present in population databases (gnomAD no frequency). This missense change has been observed in individual(s) with breast cancer (PMID: 35534704). ClinVar contains an entry for this variant (Variation ID: 652331). An algorithm developed to predict the effect of missense changes on protein structure and function (PolyPhen-2) suggests that this variant is likely to be tolerated. In summary, the available evidence is currently insufficient to determine the role of this variant in disease. Therefore, it has been classified as a Variant of Uncertain Significance.

Baylor Genetics
Classification: Uncertain significance for Aplastic anemia. Last evaluated: 2023-09-27. Review status: criteria provided, single submitter. Criteria: ACMG Guidelines, 2015. Collection method: clinical testing. Allele origin: unknown.

Laboratorio de Genetica e Diagnostico Molecular, Hospital Israelita Albert Einstein
Classification: Uncertain significance for Microcephaly, normal intelligence and immunodeficiency. Last evaluated: 2023-01-13. Review status: criteria provided, single submitter. Criteria: ACMG Guidelines, 2015. Collection method: clinical testing. Allele origin: germline. Affected: yes. Observed: 1 variant allele.
Comment: ACMG classification criteria: PM2 moderated, BP4 supporting

Literature cited by the submitters: PubMed 35534704 (cited by Labcorp Genetics (formerly Invitae), Labcorp).